The following is an entry in ClinVar:

ClinVar aggregate classification (germline): Likely benign (1 of 4 stars; one submission).

Allele frequency attached by ClinVar (database versions not stated): 1000 Genomes Project 0.00899; 1000 Genomes Project 30x 0.00937; gnomAD 0.01017 and 0.01083; TOPMed 0.01146.
gnomAD v4.1: 2,969 of 1,521,450 alleles (0.2%); highest among the groups gnomAD compares: African/African-American, 3.6%; 63 homozygotes.

Submission:

GeneDx
Classification: Likely benign. Last evaluated: 2018-06-16. Review status: criteria provided, single submitter. Criteria: GeneDx Variant Classification (06012015). Collection method: clinical testing. Allele origin: germline. Affected: yes.
Comment: This variant is considered likely benign or benign based on one or more of the following criteria: it is a conservative change, it occurs at a poorly conserved position in the protein, it is predicted to be benign by multiple in silico algorithms, and/or has population frequency not consistent with disease.

NM_001292063.2(OTOG):c.8462-55T>C

Gene: OTOG (otogelin; plus strand). Cytogenetic location: 11p15.1.
Variant type: single nucleotide variant.
Coding change: c.8462-55T>C on transcript NM_001292063.2 (MANE Select); 55 bases into the intron before coding-DNA position 8462, T replaced by C.
Molecular consequence: intron variant.
Genome position (GRCh38, 1-based): chr11:17,645,509, T>C. VCF-style: chr11-17645509-T-C. GRCh37 (hg19) VCF-style: chr11-17667056-T-C.
Other names: c.8498-55T>C (NM_001277269.2).
Identifiers: ClinVar variation 677073 (VCV000677073.1), dbSNP rs76783895, ClinGen allele CA218458325.